The following is an entry in ClinVar:

NM_002582.4(PARN):c.784-1G>A

Gene: PARN (poly(A)-specific ribonuclease; minus strand). Cytogenetic location: 16p13.12.
Variant type: single nucleotide variant.
Coding change: c.784-1G>A on transcript NM_002582.4 (MANE Select); the canonical splice acceptor site of the intron before coding-DNA position 784, G replaced by A.
Molecular consequence: splice acceptor variant.
Genome position (GRCh38, 1-based): chr16:14,599,961, C>T on the plus strand (G>A on the coding strand, the complement: PARN is on the minus strand). VCF-style: chr16-14599961-C-T. GRCh37 (hg19) VCF-style: chr16-14693818-C-T.
Other names: c.601-1G>A (NM_001134477.3); c.646-1G>A (NM_001242992.2).
Identifiers: ClinVar variation 2945113 (VCV002945113.4), dbSNP rs1970777169, ClinGen allele CA394806525.
Genomic context (GRCh38, chr16:14,599,961, plus strand): 5'-TACCGAATTAGCAATGGCGTGAATGACTCTAGAAAATCCCACAGCATCATTCAGCTCCTC[C>T]TAATTAAAAAAATATATACATATGTATTATTGATGTATAAATATTCCTTATGTGAATTAA-3'

ClinVar aggregate classification (germline): Likely pathogenic. Review status: criteria provided, multiple submitters, no conflicts (2 of 4 stars). 2 submissions from 2 submitters: Likely pathogenic (2). Last evaluated 2024-05-20.

Conditions:
Dyskeratosis congenita, autosomal recessive 6 (DKCB6). Identifiers: MedGen C4225356, MONDO:0014600, OMIM 616353.
Pulmonary fibrosis and/or bone marrow failure, Telomere-related, 4. Also called: PULMONARY FIBROSIS AND/OR BONE MARROW FAILURE SYNDROME, TELOMERE-RELATED, 4. Identifiers: Orphanet 2032, MedGen C4225347, MONDO:0014612, OMIM 616371.

Allele frequency attached by ClinVar (database versions not stated): TOPMed below 0.00001.

Submissions (2):

GeneDx
Classification: Likely pathogenic. Last evaluated: 2024-05-20. Review status: criteria provided, single submitter. Criteria: GeneDx Variant Classification Process June 2021. Collection method: clinical testing. Allele origin: germline. Affected: yes.
Comment: Canonical splice site variant predicted to result in an in-frame loss of the adjacent exon in a gene for which loss of function is a known mechanism of disease; Not observed at significant frequency in large population cohorts (gnomAD); Has not been previously published as pathogenic or benign to our knowledge

Labcorp Genetics (formerly Invitae), Labcorp
Classification: Likely pathogenic for Dyskeratosis congenita, autosomal recessive 6; Pulmonary fibrosis and/or bone marrow failure, Telomere-related, 4. Last evaluated: 2023-03-08. Review status: criteria provided, single submitter. Criteria: Invitae Variant Classification Sherloc (09022015). Collection method: clinical testing. Allele origin: germline.
Comment: This sequence change affects an acceptor splice site in intron 11 of the PARN gene. It is expected to disrupt RNA splicing. Variants that disrupt the donor or acceptor splice site typically lead to a loss of protein function (PMID: 16199547), and loss-of-function variants in PARN are known to be pathogenic (PMID: 9736620, 25848748, 26810774). This variant is not present in population databases (gnomAD no frequency). This variant has not been reported in the literature in individuals affected with PARN-related conditions. Algorithms developed to predict the effect of sequence changes on RNA splicing suggest that this variant may disrupt the consensus splice site. In summary, the currently available evidence indicates that the variant is pathogenic, but additional data are needed to prove that conclusively. Therefore, this variant has been classified as Likely Pathogenic.

Literature cited by the submitters: PubMed 16199547 (cited by Labcorp Genetics (formerly Invitae), Labcorp); PubMed 9736620 (cited by Labcorp Genetics (formerly Invitae), Labcorp); PubMed 25848748 (cited by Labcorp Genetics (formerly Invitae), Labcorp); PubMed 26810774 (cited by Labcorp Genetics (formerly Invitae), Labcorp).